The following is an entry in ClinVar:

NM_006662.3(SRCAP):c.6288A>G (p.Glu2096=)

Gene: SRCAP (Snf2 related CREBBP activator protein; plus strand). Cytogenetic location: 16p11.2.
Variant type: single nucleotide variant.
Coding change: c.6288A>G on transcript NM_006662.3 (MANE Select); coding-DNA position 6288, A replaced by G.
Protein change: p.Glu2096=; no amino-acid change (glutamic acid 2096 retained).
Molecular consequence: synonymous variant.
Genome position (GRCh38, 1-based): chr16:30,733,440, A>G. VCF-style: chr16-30733440-A-G. GRCh37 (hg19) VCF-style: chr16-30744761-A-G.
Identifiers: ClinVar variation 3772007 (VCV003772007.13).

ClinVar aggregate classification (germline): Likely benign (1 of 4 stars; one submission).

Submission:

CeGaT Center for Human Genetics Tuebingen
Classification: Likely benign. Last evaluated: 2024-12-01. Review status: criteria provided, single submitter. Criteria: CeGaT Center For Human Genetics Tuebingen Variant Classification Criteria Version 2. Collection method: clinical testing. Allele origin: germline. Affected: yes. Observed: 1 variant allele.
Comment: SRCAP: PM2:Supporting, BP4, BP7